The following is an entry in ClinVar:

ClinVar aggregate classification (germline): Uncertain significance (1 of 4 stars; one submission).

Allele frequency attached by ClinVar (database versions not stated): ExAC 0.00001.
gnomAD v4.1: 1 of 1,612,848 alleles (0.000062%); highest among the groups gnomAD compares: Admixed American, 0.0017%; no homozygotes.

Submission:

Labcorp Genetics (formerly Invitae), Labcorp
Classification: Uncertain significance. Last evaluated: 2025-04-14. Review status: criteria provided, single submitter. Criteria: Invitae Variant Classification Sherloc (09022015). Collection method: clinical testing. Allele origin: germline.
Comment: This sequence change replaces serine, which is neutral and polar, with cysteine, which is neutral and slightly polar, at codon 1062 of the KMT2A protein (p.Ser1062Cys). This variant is present in population databases (rs781797424, gnomAD 0.003%). This variant has not been reported in the literature in individuals affected with KMT2A-related conditions. ClinVar contains an entry for this variant (Variation ID: 2847923). Invitae Evidence Modeling of protein sequence and biophysical properties (such as structural, functional, and spatial information, amino acid conservation, physicochemical variation, residue mobility, and thermodynamic stability) has been performed for this missense variant. However, the output from this modeling did not meet the statistical confidence thresholds required to predict the impact of this variant on KMT2A protein function. In summary, the available evidence is currently insufficient to determine the role of this variant in disease. Therefore, it has been classified as a Variant of Uncertain Significance.

NM_001197104.2(KMT2A):c.3185C>G (p.Ser1062Cys)

Gene: KMT2A (lysine methyltransferase 2A; plus strand). Cytogenetic location: 11q23.3.
Variant type: single nucleotide variant.
Coding change: c.3185C>G on transcript NM_001197104.2 (MANE Select); coding-DNA position 3185, C replaced by G.
Protein change: p.Ser1062Cys; replaces serine 1062 with cysteine.
Molecular consequence: missense variant.
Genome position (GRCh38, 1-based): chr11:118,476,833, C>G. VCF-style: chr11-118476833-C-G. GRCh37 (hg19) VCF-style: chr11-118347548-C-G.
Other names: c.3284C>G, p.Ser1095Cys (NM_001412597.1); c.3185C>G, p.Ser1062Cys (NM_005933.4); short protein forms S1062C, S1095C.
Identifiers: ClinVar variation 2847923 (VCV002847923.3), dbSNP rs781797424, ClinGen allele CA6303632.